The following is an entry in ClinVar:

ClinVar aggregate classification (germline): Uncertain significance (1 of 4 stars; one submission).

Submission:

Labcorp Genetics (formerly Invitae), Labcorp
Classification: Uncertain significance. Last evaluated: 2023-12-27. Review status: criteria provided, single submitter. Criteria: Invitae Variant Classification Sherloc (09022015). Collection method: clinical testing. Allele origin: germline.
Comment: This sequence change replaces histidine, which is basic and polar, with tyrosine, which is neutral and polar, at codon 751 of the EMC1 protein (p.His751Tyr). This variant is not present in population databases (gnomAD no frequency). This variant has not been reported in the literature in individuals affected with EMC1-related conditions. Advanced modeling of protein sequence and biophysical properties (such as structural, functional, and spatial information, amino acid conservation, physicochemical variation, residue mobility, and thermodynamic stability) performed at Invitae indicates that this missense variant is expected to disrupt EMC1 protein function with a positive predictive value of 80%. In summary, the available evidence is currently insufficient to determine the role of this variant in disease. Therefore, it has been classified as a Variant of Uncertain Significance.

NM_015047.3(EMC1):c.2251C>T (p.His751Tyr)

Genes: EMC1 (ER membrane protein complex subunit 1; minus strand), EMC1-AS1 (EMC1 antisense RNA 1; plus strand). Cytogenetic location: 1p36.13.
Variant type: single nucleotide variant.
Coding change: c.2251C>T on transcript NM_015047.3 (MANE Select); coding-DNA position 2251, C replaced by T.
Protein change: p.His751Tyr; replaces histidine 751 with tyrosine.
Molecular consequence: missense variant.
Genome position (GRCh38, 1-based): chr1:19,223,521, G>A on the plus strand (C>T on the coding strand, the complement: EMC1 is on the minus strand). VCF-style: chr1-19223521-G-A. GRCh37 (hg19) VCF-style: chr1-19550015-G-A.
Other names: c.2248C>T, p.His750Tyr (NM_001271427.2, NM_001271428.2); c.2185C>T, p.His729Tyr (NM_001271429.2); c.2260C>T, p.His754Tyr (NM_001375820.1); c.2257C>T, p.His753Tyr (NM_001375821.1); short protein forms H751Y, H729Y, H750Y, H754Y, H753Y.
Identifiers: ClinVar variation 2705764 (VCV002705764.3), dbSNP rs2536672127, ClinGen allele CA338755112.